The following is an entry in ClinVar:

ClinVar aggregate classification (germline): Uncertain significance (1 of 4 stars; one submission).

gnomAD v4.1: 2 of 1,612,592 alleles (0.00012%); highest among the groups gnomAD compares: Admixed American, 0.0017%; no homozygotes.

Submission:

Mayo Clinic Laboratories, Mayo Clinic
Classification: Uncertain significance. Last evaluated: 2025-06-05. Review status: criteria provided, single submitter. Criteria: ACMG Guidelines, 2015. Collection method: clinical testing. Allele origin: germline. Observed: 1 variant allele.
Comment: PP3_moderate, PM2_supporting

NM_201384.3(PLEC):c.278G>A (p.Gly93Glu)

Gene: PLEC (plectin; minus strand). Cytogenetic location: 8q24.3.
Variant type: single nucleotide variant.
Coding change: c.278G>A on transcript NM_201384.3 (MANE Select); coding-DNA position 278, G replaced by A.
Protein change: p.Gly93Glu; replaces glycine 93 with glutamic acid.
Molecular consequence: missense variant.
Genome position (GRCh38, 1-based): chr8:143,937,229, C>T on the plus strand (G>A on the coding strand, the complement: PLEC is on the minus strand). VCF-style: chr8-143937229-C-T. GRCh37 (hg19) VCF-style: chr8-145011397-C-T.
Other names: p.Gly120Glu; c.359G>A, p.Gly120Glu (NM_000445.5, NM_001410941.1); c.236G>A, p.Gly79Glu (NM_201378.4); c.212G>A, p.Gly71Glu (NM_201379.3); c.689G>A, p.Gly230Glu (NM_201380.4); c.182G>A, p.Gly61Glu (NM_201381.3); c.278G>A, p.Gly93Glu (NM_201382.4); c.290G>A, p.Gly97Glu (NM_201383.3); short protein forms G120E, G79E, G230E, G71E, G93E, G61E, G97E.
Identifiers: ClinVar variation 4541407 (VCV004541407.1).